The following is an entry in ClinVar:

NM_000053.4(ATP7B):c.3472G>A (p.Gly1158Ser)

Gene: ATP7B (ATPase copper transporting beta; minus strand). Cytogenetic location: 13q14.3.
Variant type: single nucleotide variant.
Coding change: c.3472G>A on transcript NM_000053.4 (MANE Select); coding-DNA position 3472, G replaced by A.
Protein change: p.Gly1158Ser; replaces glycine 1158 with serine.
Molecular consequence: missense variant. On other transcripts: intron variant (2).
Genome position (GRCh38, 1-based): chr13:51,941,165, C>T on the plus strand (G>A on the coding strand, the complement: ATP7B is on the minus strand). VCF-style: chr13-51941165-C-T. GRCh37 (hg19) VCF-style: chr13-52515301-C-T.
Other names: c.2851G>A, p.Gly951Ser (NM_001005918.3); c.3139G>A, p.Gly1047Ser (NM_001243182.2); c.3238G>A, p.Gly1080Ser (NM_001330578.2, NM_001406527.1, NM_001406528.1); c.3220G>A, p.Gly1074Ser (NM_001330579.2, NM_001406531.1, NM_001406532.1); c.3472G>A, p.Gly1158Ser (NM_001406511.1, NM_001406512.1, NM_001406526.1); c.3466G>A, p.Gly1156Ser (NM_001406513.1); c.3439G>A, p.Gly1147Ser (NM_001406514.1); c.3418G>A, p.Gly1140Ser (NM_001406515.1, NM_001406516.1); and 20 more; short protein forms G1009S, G1015S, G1045S, G1047S, G1048S, G1062S, G1074S, G1078S.
Identifiers: ClinVar variation 3387468 (VCV003387468.1).

ClinVar aggregate classification (germline): Uncertain significance (1 of 4 stars; one submission).

Conditions:
Wilson disease (WND). Also called: Wilson's disease. Identifiers: Orphanet 905, MedGen C0019202, MONDO:0010200, OMIM 277900. Disease mechanism: loss of function.

gnomAD v4.1: 5 of 1,613,922 alleles (0.00031%); highest among the groups gnomAD compares: Non-Finnish European, 0.00034%; no homozygotes.

Submission:

All of Us Research Program, National Institutes of Health
Classification: Uncertain significance for Wilson disease. Last evaluated: 2024-07-20. Review status: criteria provided, single submitter. Criteria: ACMG Guidelines, 2015. Collection method: clinical testing. Allele origin: germline. Inheritance: Autosomal recessive inheritance. Observed: 1 variant allele, 1 heterozygote.
Comment: This missense variant replaces glycine with serine at codon 1158 of the ATP7B protein. Computational prediction is inconclusive regarding the impact of this variant on protein structure and function (internally defined REVEL score threshold 0.5 < inconclusive < 0.7, PMID: 27666373). To our knowledge, functional studies have not been reported for this variant. This variant has not been reported in individuals affected with ATP7B-related disorders in the literature. This variant has not been identified in the general population by the Genome Aggregation Database (gnomAD). The available evidence is insufficient to determine the role of this variant in disease conclusively. Therefore, this variant is classified as a Variant of Uncertain Significance.

This study involves interpretation of variants in research participants for the purpose of population health screening. Participant phenotype was not available at the time of variant classification. Additional details can be found in publication PMID: 35346344, PMCID: PMC8962531